The following is an entry in ClinVar:

NM_000396.4(CTSK):c.625_626del (p.Ser209fs)

Gene: CTSK (cathepsin K; minus strand). Cytogenetic location: 1q21.3.
Variant type: Microsatellite.
Coding change: c.625_626del on transcript NM_000396.4 (MANE Select); coding-DNA positions 625 to 626, 2 bases deleted (AG; older notation c.625_626delAG).
Protein change: p.Ser209fs; shifts the reading frame from serine 209.
Molecular consequence: frameshift variant.
Genome position (GRCh38, 1-based): chr1:150,799,702-150,799,703, CT deleted on the plus strand (AG on the coding strand, the reverse complement: CTSK is on the minus strand); deleting any 2 consecutive bases within chr1:150,799,702-150,799,707 gives the same sequence; the c. name uses the placement nearest the transcript's 3' end. VCF-style (leftmost placement, unchanged base first): chr1-150799701-ACT-A. GRCh37 (hg19) VCF-style: chr1-150772177-ACT-A.
Other names: short protein forms S209fs.
Identifiers: ClinVar variation 5011656 (VCV005011656.1).

ClinVar aggregate classification (germline): Pathogenic (1 of 4 stars; one submission).

Conditions:
Pyknodysostosis. Also called: Pycnodysostosis. Identifiers: Orphanet 763, MedGen C0238402, MONDO:0009940, OMIM 265800.

Submission:

Myriad Genetics, Inc.
Classification: Pathogenic for Pyknodysostosis. Last evaluated: 2023-09-13. Review status: criteria provided, single submitter. Criteria: Myriad Autosomal Dominant, Autosomal Recessive and X-Linked Classification Criteria (2023). Collection method: clinical testing. Allele origin: unknown.
Comment: NM_000396.3(CTSK):c.625_626delAG(S209Lfs*11) is expected to be pathogenic in the context of pycnodysostosis. This variant is predicted to lead to an abnormal or absent protein product due to the creation of a premature termination codon in CTSK, a gene where loss-of-function variants are known to be pathogenic. Please note: this variant was assessed in the context of healthy population screening.